The following is an entry in ClinVar:

ClinVar aggregate classification (germline): Uncertain significance (1 of 4 stars; one submission).

Allele frequency attached by ClinVar (database versions not stated): gnomAD exomes below 0.00001.
gnomAD v4.1: 1 of 1,613,778 alleles (0.000062%); highest among the groups gnomAD compares: Admixed American, 0.0017%; no homozygotes.

Submission:

Labcorp Genetics (formerly Invitae), Labcorp
Classification: Uncertain significance. Last evaluated: 2023-07-07. Review status: criteria provided, single submitter. Criteria: Invitae Variant Classification Sherloc (09022015). Collection method: clinical testing. Allele origin: germline.
Comment: This sequence change replaces leucine, which is neutral and non-polar, with serine, which is neutral and polar, at codon 667 of the ARID1B protein (p.Leu667Ser). This variant is present in population databases (no rsID available, gnomAD 0.003%). This variant has not been reported in the literature in individuals affected with ARID1B-related conditions. ClinVar contains an entry for this variant (Variation ID: 2171936). Advanced modeling of protein sequence and biophysical properties (such as structural, functional, and spatial information, amino acid conservation, physicochemical variation, residue mobility, and thermodynamic stability) has been performed at Invitae for this missense variant, however the output from this modeling did not meet the statistical confidence thresholds required to predict the impact of this variant on ARID1B protein function. In summary, the available evidence is currently insufficient to determine the role of this variant in disease. Therefore, it has been classified as a Variant of Uncertain Significance.

NM_001374828.1(ARID1B):c.2210T>C (p.Leu737Ser)

Gene: ARID1B (AT-rich interaction domain 1B; plus strand). Cytogenetic location: 6q25.3.
Variant type: single nucleotide variant.
Coding change: c.2210T>C on transcript NM_001374828.1 (MANE Select); coding-DNA position 2210, T replaced by C.
Protein change: p.Leu737Ser; replaces leucine 737 with serine.
Molecular consequence: missense variant.
Genome position (GRCh38, 1-based): chr6:156,935,539, T>C. VCF-style: chr6-156935539-T-C. GRCh37 (hg19) VCF-style: chr6-157256673-T-C.
Other names: c.1787T>C, p.Leu596Ser (NM_175863.2); c.1961T>C, p.Leu654Ser (NM_001346813.1); c.2249T>C, p.Leu750Ser (NM_001371656.1, NM_001374820.1); c.2210T>C, p.Leu737Ser (NM_017519.3); c.2000T>C, p.Leu667Ser (NM_020732.3); short protein forms L596S, L737S, L654S, L750S, L667S.
Identifiers: ClinVar variation 2171936 (VCV002171936.4), dbSNP rs1319420589, ClinGen allele CA366380489.